The following is an entry in ClinVar:

ClinVar aggregate classification (germline): Uncertain significance (1 of 4 stars; one submission).

Conditions:
Baller-Gerold syndrome (BGS). Also called: CRANIOSYNOSTOSIS WITH RADIAL DEFECTS. Identifiers: Orphanet 1225, MedGen C0265308, MONDO:0009039, OMIM 218600.

Submission:

Labcorp Genetics (formerly Invitae), Labcorp
Classification: Uncertain significance for Baller-Gerold syndrome. Last evaluated: 2018-04-14. Review status: criteria provided, single submitter. Criteria: Invitae Variant Classification Sherloc (09022015). Collection method: clinical testing. Allele origin: germline.
Comment: This sequence change replaces alanine with glycine at codon 958 of the RECQL4 protein (p.Ala958Gly). The alanine residue is highly conserved and there is a small physicochemical difference between alanine and glycine. This variant is not present in population databases (ExAC no frequency). This variant has not been reported in the literature in individuals with RECQL4-related disease. Algorithms developed to predict the effect of missense changes on protein structure and function (SIFT, PolyPhen-2, Align-GVGD) all suggest that this variant is likely to be tolerated, but these predictions have not been confirmed by published functional studies and their clinical significance is uncertain. In summary, the available evidence is currently insufficient to determine the role of this variant in disease. Therefore, it has been classified as a Variant of Uncertain Significance.

NM_004260.4(RECQL4):c.2873C>G (p.Ala958Gly)

Gene: RECQL4 (RecQ like helicase 4; minus strand). Cytogenetic location: 8q24.3.
Variant type: single nucleotide variant.
Coding change: c.2873C>G on transcript NM_004260.4 (MANE Select); coding-DNA position 2873, C replaced by G.
Protein change: p.Ala958Gly; replaces alanine 958 with glycine.
Molecular consequence: missense variant.
Genome position (GRCh38, 1-based): chr8:144,512,654, G>C on the plus strand (C>G on the coding strand, the complement: RECQL4 is on the minus strand). VCF-style: chr8-144512654-G-C. GRCh37 (hg19) VCF-style: chr8-145738037-G-C.
Other names: short protein forms A958G.
Identifiers: ClinVar variation 574773 (VCV000574773.4), dbSNP rs758952928, ClinGen allele CA372673863.
Genomic context (GRCh38, chr8:144,512,654, plus strand): 5'-CAGCCCTGATTCTCCAACCTCGTCTCCAACTGGGCAGGGCGTGCTTACCTGTGGGCCAGG[G>C]CCTGGAGCTGGGCAGGGCCCCCAGGGCAGTTCAGACGGCAATGGGTATAGGTGGTCGCCA-3'
Protein context (NP_004251.4, residues 948-968): NCPGGPAQLQ[Ala958Gly]LAHRCPPLAV